The following is an entry in ClinVar:

NM_000276.4(OCRL):c.1442_1443del (p.Asp480_Ser481insTer)

Gene: OCRL (OCRL inositol polyphosphate-5-phosphatase; plus strand). Cytogenetic location: Xq26.1.
Variant type: Microsatellite.
Coding change: c.1442_1443del on transcript NM_000276.4 (MANE Select); coding-DNA positions 1442 to 1443, 2 bases deleted (CT; older notation c.1442_1443delCT).
Protein change: p.Asp480_Ser481insTer.
Molecular consequence: nonsense.
Genome position (GRCh38, 1-based): chrX:129,567,339-129,567,340, CT deleted; deleting any 2 consecutive bases within chrX:129,567,337-129,567,340 gives the same sequence; the c. name uses the placement nearest the transcript's 3' end. VCF-style (leftmost placement, unchanged base first): chrX-129567336-ACT-A. GRCh37 (hg19) VCF-style: chrX-128701313-ACT-A.
Other names: c.1445_1446del, p.Asp481_Ser482insTer (NM_001318784.2); c.1442_1443del, p.Asp480_Ser481insTer (NM_001587.4); c.1442_1443del (NM_000276.3); c.1442_1443delCT (NM_000276.3).
Identifiers: ClinVar variation 650887 (VCV000650887.9), dbSNP rs1602791255, ClinGen allele CA915952377.

ClinVar aggregate classification (germline): Pathogenic. Review status: criteria provided, multiple submitters, no conflicts (2 of 4 stars). 2 submissions from 2 submitters: Pathogenic (2). Last evaluated 2023-04-13.

Conditions:
Lowe syndrome (OCRL). Also called: LOWE OCULOCEREBRORENAL SYNDROME; Oculocerebrorenal Syndrome; PHOSPHATIDYLINOSITOL 4,5-BISPHOSPHATE 5-PHOSPHATASE DEFICIENCY. Identifiers: Orphanet 534, MedGen C0028860, MONDO:0010645, OMIM 309000.

Submissions (2):

GeneDx
Classification: Pathogenic. Last evaluated: 2023-04-13. Review status: criteria provided, single submitter. Criteria: GeneDx Variant Classification Process June 2021. Collection method: clinical testing. Allele origin: germline. Affected: yes.
Comment: Nonsense variant predicted to result in protein truncation or nonsense mediated decay in a gene for which loss of function is a known mechanism of disease; Not observed at significant frequency in large population cohorts (gnomAD); This variant is associated with the following publications: (PMID: 21031565)

Labcorp Genetics (formerly Invitae), Labcorp
Classification: Pathogenic for Lowe syndrome. Last evaluated: 2018-09-10. Review status: criteria provided, single submitter. Criteria: Invitae Variant Classification Sherloc (09022015). Collection method: clinical testing. Allele origin: germline.
Comment: For these reasons, this variant has been classified as Pathogenic. Loss-of-function variants in OCRL are known to be pathogenic (PMID: 21031565, 22381590). This variant has been observed in an individual affected with suspected Lowe syndrome (PMID: 21031565). This variant is also known as c.1440_1441delCT in the literature. This variant is not present in population databases (ExAC no frequency). This sequence change creates a premature translational stop signal (p.Ser481*) in the OCRL gene. It is expected to result in an absent or disrupted protein product.

Literature cited by the submitters: PubMed 21031565 (cited by Labcorp Genetics (formerly Invitae), Labcorp); PubMed 22381590 (cited by Labcorp Genetics (formerly Invitae), Labcorp).